The following is an entry in ClinVar:

NM_020778.5(ALPK3):c.2934A>G (p.Ala978=)

Gene: ALPK3 (alpha kinase 3; plus strand). Cytogenetic location: 15q25.3.
Variant type: single nucleotide variant.
Coding change: c.2934A>G on transcript NM_020778.5 (MANE Select); coding-DNA position 2934, A replaced by G.
Protein change: p.Ala978=; no amino-acid change (alanine 978 retained).
Molecular consequence: synonymous variant.
Genome position (GRCh38, 1-based): chr15:84,857,672, A>G. VCF-style: chr15-84857672-A-G. GRCh37 (hg19) VCF-style: chr15-85400903-A-G.
Identifiers: ClinVar variation 392365 (VCV000392365.11), dbSNP rs574248459, ClinGen allele CA7709522.

ClinVar aggregate classification (germline): Likely benign. Review status: criteria provided, multiple submitters, no conflicts (2 of 4 stars). 3 submissions from 3 submitters: Likely benign (3). Last evaluated 2025-10-03.

Conditions:
Cardiovascular phenotype. Identifiers: MedGen CN230736.

Allele frequency attached by ClinVar (database versions not stated): gnomAD exomes 0.00001 and 0.00005; ExAC 0.00006; gnomAD 0.00009; TOPMed 0.00017; 1000 Genomes Project 0.00020; 1000 Genomes Project 30x 0.00031.
gnomAD v4.1: 23 of 1,607,330 alleles (0.0014%); highest among the groups gnomAD compares: African/African-American, 0.025%; no homozygotes.

Submissions (3):

Labcorp Genetics (formerly Invitae), Labcorp
Classification: Likely benign. Last evaluated: 2025-10-03. Review status: criteria provided, single submitter. Criteria: Invitae Variant Classification Sherloc (09022015). Collection method: clinical testing. Allele origin: germline.

Ambry Genetics
Classification: Likely benign for Cardiovascular phenotype. Last evaluated: 2019-11-18. Review status: criteria provided, single submitter. Criteria: Ambry Variant Classification Scheme 2023. Collection method: clinical testing. Allele origin: germline.

GeneDx
Classification: Likely benign. Last evaluated: 2017-01-05. Review status: criteria provided, single submitter. Criteria: GeneDx Variant Classification (06012015). Collection method: clinical testing. Allele origin: germline. Affected: yes.
Comment: This variant is considered likely benign or benign based on one or more of the following criteria: it is a conservative change, it occurs at a poorly conserved position in the protein, it is predicted to be benign by multiple in silico algorithms, and/or has population frequency not consistent with disease.